The following is an entry in ClinVar:

ClinVar aggregate classification (germline): Pathogenic (1 of 4 stars; one submission).

Conditions:
Platelet-type bleeding disorder 18 (BDPLT18). Identifiers: Orphanet 420566, MedGen C4014584, MONDO:0014386, OMIM 615888.

Allele frequency attached by ClinVar (database versions not stated): gnomAD exomes 0.00001.

Submission:

ISTH-SSC Genomics in Thrombosis and Hemostasis, KU Leuven, Center for Molecular and Vascular Biology
Classification: Pathogenic for Platelet-type bleeding disorder 18. Review status: criteria provided, single submitter. Criteria: ACMG Guidelines, 2015. Collection method: clinical testing. Allele origin: unknown, germline. Affected: yes. Observed: 2 homozygotes. Clinical features observed: Moderate to severe bleeding improving with age, platelet aggregation defect to multiple agonists.
Comment: GoldVariant submitter:s Jose Rivera, Centro Regional de Hemodonacion, Murcia, Spain and Jose María Bastida, Hospital Universitario Salamanca - IBSAL, Spain

Literature cited by the submitters: PubMed 34355501; PubMed 27235135.

NM_001098671.2(RASGRP2):c.337C>T (p.Arg113Ter)

Gene: RASGRP2 (RAS guanyl releasing protein 2; minus strand). Cytogenetic location: 11q13.1.
Variant type: single nucleotide variant.
Coding change: c.337C>T on transcript NM_001098671.2 (MANE Select); coding-DNA position 337, C replaced by T.
Protein change: p.Arg113Ter; replaces arginine 113 with a stop codon.
Molecular consequence: nonsense. On other transcripts: 5 prime UTR variant (1).
Genome position (GRCh38, 1-based): chr11:64,740,982, G>A on the plus strand (C>T on the coding strand, the complement: RASGRP2 is on the minus strand). VCF-style: chr11-64740982-G-A. GRCh37 (hg19) VCF-style: chr11-64508454-G-A.
Other names: c.337C>T, p.Arg113Ter (NM_001098670.2, NM_153819.2); c.-99C>T (NM_001318398.2); short protein forms R113*.
Identifiers: ClinVar variation 1677270 (VCV001677270.1), dbSNP rs1592384832, ClinGen allele CA381154007.